The following is an entry in ClinVar:

NM_006941.4(SOX10):c.343G>A (p.Ala115Thr)

Genes: POLR2F (RNA polymerase II, I and III subunit F; plus strand), SOX10 (SRY-box transcription factor 10; minus strand). Cytogenetic location: 22q13.1.
Variant type: single nucleotide variant.
Coding change: c.343G>A on transcript NM_006941.4 (MANE Select); coding-DNA position 343, G replaced by A.
Protein change: p.Ala115Thr; replaces alanine 115 with threonine.
Molecular consequence: missense variant. On other transcripts: intron variant (3).
Genome position (GRCh38, 1-based): chr22:37,983,442, C>T on the plus strand (G>A on the coding strand, the complement: SOX10 is on the minus strand). VCF-style: chr22-37983442-C-T. GRCh37 (hg19) VCF-style: chr22-38379449-C-T.
Other names: c.*38+11132C>T (NM_001363825.1); c.294-2712C>T (NM_001301130.2); c.293+16272C>T (NM_001301131.2); short protein forms A115T.
Identifiers: ClinVar variation 3601821 (VCV003601821.3).
Genomic context (GRCh38, chr22:37,983,442, plus strand): 5'-TGAGCTCAGCGTTGTGCAGGTGCGGGTACTGGTCCGCGAGCTTCCTGCGCGCTGCCTGAG[C>T]CCACACCATGAAGGCGTTCATGGGCCGCTTGACGTGCGGCTTGCTTTTGCTGGCGCCGTT-3'
Protein context (NP_008872.1, residues 105-125): KRPMNAFMVW[Ala115Thr]QAARRKLADQ

ClinVar aggregate classification (germline): Conflicting classifications of pathogenicity. Review status: criteria provided, conflicting classifications (1 of 4 stars). 2 submissions from 2 submitters: Pathogenic (1); Uncertain significance (1). Last evaluated 2025-01-09.

Conditions:
Waardenburg syndrome type 4C (WS4C). Also called: WAARDENBURG SYNDROME WITH HIRSCHSPRUNG DISEASE, TYPE 4C. Identifiers: Orphanet 897, MedGen C2750452, MONDO:0013202, OMIM 613266.

Submissions (2):

Institute of Rare Diseases, West China Hospital, Sichuan University
Classification: Pathogenic for Waardenburg syndrome type 4C. Last evaluated: 2025-01-09. Review status: criteria provided, single submitter. Criteria: ClinGen HL ACMG Specifications v1. Collection method: research. Allele origin: germline. Affected: yes.

Labcorp Genetics (formerly Invitae), Labcorp
Classification: Uncertain significance. Last evaluated: 2024-07-15. Review status: criteria provided, single submitter. Criteria: Invitae Variant Classification Sherloc (09022015). Collection method: clinical testing. Allele origin: germline.
Comment: This sequence change replaces alanine, which is neutral and non-polar, with threonine, which is neutral and polar, at codon 115 of the SOX10 protein (p.Ala115Thr). This variant is not present in population databases (gnomAD no frequency). This variant has not been reported in the literature in individuals affected with SOX10-related conditions. Advanced modeling of protein sequence and biophysical properties (such as structural, functional, and spatial information, amino acid conservation, physicochemical variation, residue mobility, and thermodynamic stability) performed at Invitae indicates that this missense variant is expected to disrupt SOX10 protein function with a positive predictive value of 80%. In summary, the available evidence is currently insufficient to determine the role of this variant in disease. Therefore, it has been classified as a Variant of Uncertain Significance.